The following is an entry in ClinVar:

NM_001164508.2(NEB):c.24017G>C (p.Ser8006Thr)

Genes: NEB (nebulin; minus strand), RIF1 (replication timing regulatory factor 1; plus strand). Cytogenetic location: 2q23.3.
Variant type: single nucleotide variant.
Coding change: c.24017G>C on transcript NM_001164508.2 (MANE Select); coding-DNA position 24017, G replaced by C.
Protein change: p.Ser8006Thr; replaces serine 8006 with threonine.
Molecular consequence: missense variant. On other transcripts: intron variant (1).
Genome position (GRCh38, 1-based): chr2:151,501,395, C>G on the plus strand (G>C on the coding strand, the complement: NEB is on the minus strand). VCF-style: chr2-151501395-C-G. GRCh37 (hg19) VCF-style: chr2-152357909-C-G.
Other names: c.24017G>C, p.Ser8006Thr (NM_001164507.2); c.24122G>C, p.Ser8041Thr (NM_001271208.2); c.18825+1398G>C (NM_004543.5); short protein forms S8006T, S8041T.
Identifiers: ClinVar variation 3607997 (VCV003607997.2).

ClinVar aggregate classification (germline): Uncertain significance (1 of 4 stars; one submission).

Conditions:
Nemaline myopathy 2 (NEM2). Also called: Nemaline myopathy 2, autosomal recessive. Identifiers: MedGen C1850569, MONDO:0009725, OMIM 256030.

gnomAD v4.1: 3 of 1,546,286 alleles (0.00019%); highest among the groups gnomAD compares: Non-Finnish European, 0.00026%; no homozygotes.

Submission:

Labcorp Genetics (formerly Invitae), Labcorp
Classification: Uncertain significance for Nemaline myopathy 2. Last evaluated: 2024-03-01. Review status: criteria provided, single submitter. Criteria: Invitae Variant Classification Sherloc (09022015). Collection method: clinical testing. Allele origin: germline.
Comment: This sequence change replaces serine, which is neutral and polar, with threonine, which is neutral and polar, at codon 8041 of the NEB protein (p.Ser8041Thr). This variant is not present in population databases (gnomAD no frequency). This variant has not been reported in the literature in individuals affected with NEB-related conditions. Experimental studies and prediction algorithms are not available or were not evaluated, and the functional significance of this variant is currently unknown. In summary, the available evidence is currently insufficient to determine the role of this variant in disease. Therefore, it has been classified as a Variant of Uncertain Significance.